The following is an entry in ClinVar:

NM_000380.4(XPA):c.12C>T (p.Ala4=)

Gene: XPA (XPA, DNA damage recognition and repair factor; minus strand). Cytogenetic location: 9q22.33.
Variant type: single nucleotide variant.
Coding change: c.12C>T on transcript NM_000380.4 (MANE Select); coding-DNA position 12, C replaced by T.
Protein change: p.Ala4=; no amino-acid change (alanine 4 retained).
Molecular consequence: synonymous variant. On other transcripts: 5 prime UTR variant (1), non-coding transcript variant (5).
Genome position (GRCh38, 1-based): chr9:97,697,281, G>A on the plus strand (C>T on the coding strand, the complement: XPA is on the minus strand). VCF-style: chr9-97697281-G-A. GRCh37 (hg19) VCF-style: chr9-100459563-G-A.
Other names: c.-1138C>T (NM_001354975.2).
Identifiers: ClinVar variation 1106399 (VCV001106399.23), dbSNP rs377130468, ClinGen allele CA196755232.
Genomic context (GRCh38, chr9:97,697,281, plus strand): 5'-CACCGAGGCAGGCAGCTCCGCGGGTTGCTCTAAAGCCGCCGCCTCCGGCAAAGCCCCGTC[G>A]GCCGCCGCCATCTCTGGCCCACTCCGAGGACCTAGCTCCCAGCTCCACGCACGCGCACTG-3'
Protein context (NP_000371.1, residues 1-14): MAA[Ala4=]DGALPEAAAL

ClinVar aggregate classification (germline): Likely benign. Review status: criteria provided, multiple submitters, no conflicts (2 of 4 stars). 2 submissions from 2 submitters: Likely benign (2). Last evaluated 2024-09-01.

Allele frequency attached by ClinVar (database versions not stated): gnomAD exomes 0.00002.
gnomAD v4.1: 24 of 1,598,434 alleles (0.0015%); highest among the groups gnomAD compares: East Asian, 0.0022%; no homozygotes.

Submissions (2):

CeGaT Center for Human Genetics Tuebingen
Classification: Likely benign. Last evaluated: 2024-09-01. Review status: criteria provided, single submitter. Criteria: CeGaT Center For Human Genetics Tuebingen Variant Classification Criteria Version 2. Collection method: clinical testing. Allele origin: germline. Affected: yes. Observed: 1 variant allele.
Comment: XPA: BP4, BP7

Labcorp Genetics (formerly Invitae), Labcorp
Classification: Likely benign. Last evaluated: 2024-01-24. Review status: criteria provided, single submitter. Criteria: Invitae Variant Classification Sherloc (09022015). Collection method: clinical testing. Allele origin: germline.